The following is an entry in ClinVar:

ClinVar aggregate classification (germline): Uncertain significance. Review status: criteria provided, multiple submitters, no conflicts (2 of 4 stars). 2 submissions from 2 submitters: Uncertain significance (2). Last evaluated 2024-10-22.

Conditions:
Ullrich congenital muscular dystrophy 2 (UCMD2). Identifiers: Orphanet 75840, MedGen C4225314, MONDO:0014654, OMIM 616470.
Bethlem myopathy 2 (BTHLM2). Identifiers: Orphanet 536516, Orphanet 610, MedGen C4225313, MONDO:0034022, OMIM 616471.

Allele frequency attached by ClinVar (database versions not stated): gnomAD exomes 0.00001.
gnomAD v4.1: 8 of 1,551,794 alleles (0.00052%); highest among the groups gnomAD compares: Non-Finnish European, 0.0007%; no homozygotes.

Submissions (2):

Labcorp Genetics (formerly Invitae), Labcorp
Classification: Uncertain significance for Bethlem myopathy 2; Ullrich congenital muscular dystrophy 2. Last evaluated: 2024-10-22. Review status: criteria provided, single submitter. Criteria: Invitae Variant Classification Sherloc (09022015). Collection method: clinical testing. Allele origin: germline.
Comment: This sequence change replaces serine, which is neutral and polar, with cysteine, which is neutral and slightly polar, at codon 3 of the COL12A1 protein (p.Ser3Cys). This variant is not present in population databases (gnomAD no frequency). This variant has not been reported in the literature in individuals affected with COL12A1-related conditions. ClinVar contains an entry for this variant (Variation ID: 1029830). An algorithm developed to predict the effect of missense changes on protein structure and function (PolyPhen-2) suggests that this variant is likely to be tolerated. In summary, the available evidence is currently insufficient to determine the role of this variant in disease. Therefore, it has been classified as a Variant of Uncertain Significance.

Baylor Genetics
Classification: Uncertain significance for Bethlem myopathy 2. Last evaluated: 2020-07-24. Review status: criteria provided, single submitter. Criteria: ACMG Guidelines, 2015. Collection method: clinical testing. Allele origin: unknown. Affected: yes.
Comment: This variant was determined to be of uncertain significance according to ACMG Guidelines, 2015 [PMID:25741868].

NM_004370.6(COL12A1):c.7A>T (p.Ser3Cys)

Gene: COL12A1 (collagen type XII alpha 1 chain; minus strand). Cytogenetic location: 6q14.1.
Variant type: single nucleotide variant.
Coding change: c.7A>T on transcript NM_004370.6 (MANE Select); coding-DNA position 7, A replaced by T.
Protein change: p.Ser3Cys; replaces serine 3 with cysteine.
Molecular consequence: missense variant.
Genome position (GRCh38, 1-based): chr6:75,202,786, T>A on the plus strand (A>T on the coding strand, the complement: COL12A1 is on the minus strand). VCF-style: chr6-75202786-T-A. GRCh37 (hg19) VCF-style: chr6-75912502-T-A.
Other names: c.7A>T, p.Ser3Cys (NM_080645.3); short protein forms S3C.
Identifiers: ClinVar variation 1029830 (VCV001029830.9), dbSNP rs1770598850, ClinGen allele CA364734567.